The following is an entry in ClinVar:

NM_006563.5(KLF1):c.88-4G>A

Genes: KLF1 (KLF transcription factor 1; minus strand), LOC117125592 (CRISPRi-FlowFISH-validated CALR, DHPS, JUNB, PRDX2, RAD23A, RNASEH2A and WDR83OS regulatory element; plus strand). Cytogenetic location: 19p13.13.
Variant type: single nucleotide variant.
Coding change: c.88-4G>A on transcript NM_006563.5 (MANE Select); 4 bases into the intron before coding-DNA position 88, G replaced by A.
Molecular consequence: intron variant.
Genome position (GRCh38, 1-based): chr19:12,886,146, C>T on the plus strand (G>A on the coding strand, the complement: KLF1 is on the minus strand). VCF-style: chr19-12886146-C-T. GRCh37 (hg19) VCF-style: chr19-12996960-C-T.
Identifiers: ClinVar variation 3046726 (VCV003046726.5), dbSNP rs770809418, ClinGen allele CA9234107.

ClinVar aggregate classification (germline): Conflicting classifications of pathogenicity. Review status: criteria provided, conflicting classifications (1 of 4 stars). 3 submissions from 3 submitters: Uncertain significance (1); Likely benign (1). 1 of the submissions does not count toward it. Last evaluated 2025-04-28.

Conditions:
KLF1-related disorder. Also called: KLF1-related condition; KLF1-Related Disorders.

Allele frequency attached by ClinVar (database versions not stated): ExAC 0.00001; TOPMed 0.00001.
gnomAD v4.1: 7 of 1,597,102 alleles (0.00044%); no homozygotes.

Submissions (3):

Labcorp Genetics (formerly Invitae), Labcorp
Classification: Likely benign. Last evaluated: 2025-04-28. Review status: criteria provided, single submitter. Criteria: Invitae Variant Classification Sherloc (09022015). Collection method: clinical testing. Allele origin: germline.

Blueprint Genetics
Classification: Uncertain significance. Last evaluated: 2024-01-17. Review status: criteria provided, single submitter. Criteria: ACMG Guidelines, 2015. Collection method: clinical testing. Allele origin: germline.

PreventionGenetics, part of Exact Sciences
Classification: Likely benign for KLF1-related condition. Last evaluated: 2019-03-12. Review status: no assertion criteria provided. Collection method: clinical testing. Allele origin: germline. Not counted in ClinVar's aggregate classification.
Comment: This variant is classified as likely benign based on ACMG/AMP sequence variant interpretation guidelines (Richards et al. 2015 PMID: 25741868, with internal and published modifications).